The following is an entry in ClinVar:

ClinVar aggregate classification (germline): Uncertain significance (1 of 4 stars; one submission).

Conditions:
Combined immunodeficiency due to MALT1 deficiency. Also called: Immunodeficiency 12. Identifiers: Orphanet 397964, MedGen C3809583, MONDO:0014197, OMIM 615468.

Submission:

Labcorp Genetics (formerly Invitae), Labcorp
Classification: Uncertain significance for Combined immunodeficiency due to MALT1 deficiency. Last evaluated: 2022-01-06. Review status: criteria provided, single submitter. Criteria: Invitae Variant Classification Sherloc (09022015). Collection method: clinical testing. Allele origin: germline.
Comment: In summary, the available evidence is currently insufficient to determine the role of this variant in disease. Therefore, it has been classified as a Variant of Uncertain Significance. This sequence change falls in intron 15 of the MALT1 gene. It does not directly change the encoded amino acid sequence of the MALT1 protein. It affects a nucleotide within the consensus splice site. This variant is not present in population databases (gnomAD no frequency). This variant has not been reported in the literature in individuals affected with MALT1-related conditions. ClinVar contains an entry for this variant (Variation ID: 575737). Variants that disrupt the consensus splice site are a relatively common cause of aberrant splicing (PMID: 17576681, 9536098). Algorithms developed to predict the effect of sequence changes on RNA splicing suggest that this variant may disrupt the consensus splice site.

Literature cited by the submitters: PubMed 17576681; PubMed 9536098.

NM_006785.4(MALT1):c.1911+3_1911+6del

Gene: MALT1 (MALT1 paracaspase; plus strand). Cytogenetic location: 18q21.32.
Variant type: Deletion.
Coding change: c.1911+3_1911+6del on transcript NM_006785.4 (MANE Select); bases 3 to 6 of the intron after coding-DNA position 1911, 4 bases deleted (GAGT; older notation c.1911+3_1911+6delGAGT).
Molecular consequence: splice donor variant.
Genome position (GRCh38, 1-based): chr18:58,744,498-58,744,501, GAGT deleted; deleting any 4 consecutive bases within chr18:58,744,496-58,744,501 gives the same sequence; the c. name uses the placement nearest the transcript's 3' end. VCF-style (leftmost placement, unchanged base first): chr18-58744495-TGTGA-T. GRCh37 (hg19) VCF-style: chr18-56411727-TGTGA-T.
Other names: c.1878+3_1878+6del (NM_173844.3); c.1911+3_1911+6delGAGT (NM_006785.3).
Identifiers: ClinVar variation 575737 (VCV000575737.7), dbSNP rs1568157508, ClinGen allele CA891844226.